The following continues an entry in ClinVar:

NM_007294.4(BRCA1):c.2603C>G (p.Ser868Ter)

Gene: BRCA1. ClinVar aggregate classification (germline): Pathogenic. Pathogenic (1).

Submissions 11 to 16 of 16:

PreventionGenetics, part of Exact Sciences
Classification: Pathogenic for BRCA1-related condition. Last evaluated: 2024-06-12. Review status: no assertion criteria provided. Collection method: clinical testing. Allele origin: germline. Not counted in ClinVar's aggregate classification.
Comment: The BRCA1 c.2603C>G variant is predicted to result in premature protein termination (p.Ser868*). This variant, alternatively referred to as c.2722C>G in the literature, has been reported in individuals with breast or ovarian cancer (see, for example, Liede et al. 2002. PubMed ID: 12181777; Table S1, Carter et al. 2018. PubMed ID: 30322717; Table S1, Rebbeck et al. 2018. PubMed ID: 29446198; Table S1, De Talhouet et al. 2020. PubMed ID: 32341426). This variant is reported in 0.0033% of alleles in individuals of South Asian descent in gnomAD. It is interpreted as pathogenic in ClinVar. Nonsense variants in BRCA1 are expected to be pathogenic. This variant is interpreted as pathogenic.

BRCAlab, Lund University
Classification: Pathogenic for Breast-ovarian cancer, familial, susceptibility to, 1. Last evaluated: 2020-03-02. Review status: no assertion criteria provided. Collection method: clinical testing. Allele origin: germline. Affected: yes. Not counted in ClinVar's aggregate classification.

Counsyl
Classification: Pathogenic for Breast-ovarian cancer, familial, susceptibility to, 1. Last evaluated: 2016-09-26. Review status: no assertion criteria provided. Collection method: clinical testing. Allele origin: unknown. Not counted in ClinVar's aggregate classification.

Research Molecular Genetics Laboratory, Women's College Hospital, University of Toronto
Classification: Pathogenic for Hereditary breast ovarian cancer syndrome. Last evaluated: 2014-01-31. Review status: no assertion criteria provided. Collection method: research. Allele origin: germline. Affected: yes. Study: The Canadian Open Genetics Repository (COGR). Not counted in ClinVar's aggregate classification.

Sharing Clinical Reports Project (SCRP)
Classification: Pathogenic for Breast-ovarian cancer, familial 1. Last evaluated: 2009-07-20. Review status: no assertion criteria provided. Collection method: clinical testing. Allele origin: germline. Not counted in ClinVar's aggregate classification.

Breast Cancer Information Core (BIC) (BRCA1)
Classification: Pathogenic for Breast-ovarian cancer, familial 1. Last evaluated: 2002-05-29. Review status: no assertion criteria provided. Collection method: clinical testing. Allele origin: germline. Affected: yes. Observed: 11 variant alleles. Not counted in ClinVar's aggregate classification.

Literature cited by the submitters: PubMed 20104584 (cited by Labcorp Genetics (formerly Invitae), Labcorp); PubMed 12181777 (cited by 4 submitters); PubMed 21553119 (cited by 4 submitters); PubMed 22006311 (cited by 3 submitters); PubMed 26681312 (cited by Labcorp Genetics (formerly Invitae), Labcorp); PubMed 27553291 (cited by Labcorp Genetics (formerly Invitae), Labcorp and Ambry Genetics); PubMed 16818684 (cited by Ambry Genetics); PubMed 17851763 (cited by Ambry Genetics); PubMed 18284688 (cited by Women's Health and Genetics/Laboratory Corporation of America, LabCorp); PubMed 22762150 (cited by Women's Health and Genetics/Laboratory Corporation of America, LabCorp); PubMed 15340362 (cited by Women's Health and Genetics/Laboratory Corporation of America, LabCorp); PubMed 21559243 (cited by Women's Health and Genetics/Laboratory Corporation of America, LabCorp); PubMed 17445839 (cited by Quest Diagnostics Nichols Institute San Juan Capistrano and Counsyl); PubMed 32341426 (cited by Quest Diagnostics Nichols Institute San Juan Capistrano and Sema4); PubMed 31528241 (cited by Quest Diagnostics Nichols Institute San Juan Capistrano and Sema4); PubMed 30322717 (cited by Quest Diagnostics Nichols Institute San Juan Capistrano and Sema4); PubMed 29446198 (cited by Quest Diagnostics Nichols Institute San Juan Capistrano and Sema4); PubMed 26295337 (cited by Quest Diagnostics Nichols Institute San Juan Capistrano).